The following is an entry in ClinVar:

NM_000053.4(ATP7B):c.4039G>A (p.Gly1347Ser)

Gene: ATP7B (ATPase copper transporting beta; minus strand). Cytogenetic location: 13q14.3.
Variant type: single nucleotide variant.
Coding change: c.4039G>A on transcript NM_000053.4 (MANE Select); coding-DNA position 4039, G replaced by A.
Protein change: p.Gly1347Ser; replaces glycine 1347 with serine.
Molecular consequence: missense variant.
Genome position (GRCh38, 1-based): chr13:51,935,678, C>T on the plus strand (G>A on the coding strand, the complement: ATP7B is on the minus strand). VCF-style: chr13-51935678-C-T. GRCh37 (hg19) VCF-style: chr13-52509814-C-T.
Other names: c.3418G>A, p.Gly1140Ser (NM_001005918.3); c.3706G>A, p.Gly1236Ser (NM_001243182.2); c.3805G>A, p.Gly1269Ser (NM_001330578.2); c.3787G>A, p.Gly1263Ser (NM_001330579.2); short protein forms G1347S, G1140S, G1263S, G1269S, G1236S.
Identifiers: ClinVar variation 157956 (VCV000157956.34), dbSNP rs587783318, ClinGen allele CA271178.
Genomic context (GRCh38, chr13:51,935,678, plus strand): 5'-CCACAGACACAGAGGAGGCTGCCATGGCCGCTGAGCCCATCCAGGGCTGCAGCACAATGC[C>T]GATGGGCATGAAGACACCTGGGGAAGAAAGAACTCGCACTCACACCTAGGTCTGGGGAGA-3'
Protein context (NP_000044.2, residues 1337-1357): PIAAGVFMPI[Gly1347Ser]IVLQPWMGSA

ClinVar aggregate classification (germline): Conflicting classifications of pathogenicity. Review status: criteria provided, conflicting classifications (1 of 4 stars). 14 submissions from 14 submitters: Pathogenic (1); Likely pathogenic (6); Uncertain significance (5). 2 of the submissions do not count toward it. Last evaluated 2026-05-12.

Conditions:
ATP7B-related disorder. Also called: ATP7B-related condition.
Wilson disease (WND). Also called: Wilson's disease. Identifiers: Orphanet 905, MedGen C0019202, MONDO:0010200, OMIM 277900. Disease mechanism: loss of function.

Allele frequency attached by ClinVar (database versions not stated): gnomAD 0.00004; TOPMed 0.00005; gnomAD exomes 0.00006 and 0.00012; ExAC 0.00018.
gnomAD v4.1: 87 of 1,612,932 alleles (0.0054%); highest among the groups gnomAD compares: South Asian, 0.073%; 2 homozygotes.

Submissions (14):

Myriad Genetics, Inc.
Classification: Uncertain significance for Wilson disease. Last evaluated: 2026-05-12. Review status: criteria provided, single submitter. Criteria: Myriad Autosomal Dominant, Autosomal Recessive and X-Linked Classification Criteria (2023). Collection method: clinical testing. Allele origin: unknown.
Comment: NM_000053.3(ATP7B):c.4039G>A(G1347S) is a missense variant classified as a variant of uncertain significance in the context of Wilson disease. G1347S has been observed in cases with relevant disease (PMID: 36112267, 24555712). Relevant functional assessments of this variant are available in the literature (PMID: 40661833). G1347S has been observed in referenced population frequency databases. In summary, there is insufficient evidence to classify NM_000053.3(ATP7B):c.4039G>A(G1347S) as pathogenic or benign. Please note: this variant was assessed in the context of healthy population screening.

Labcorp Genetics (formerly Invitae), Labcorp
Classification: Pathogenic for Wilson disease. Last evaluated: 2026-01-12. Review status: criteria provided, single submitter. Criteria: Invitae Variant Classification Sherloc (09022015). Collection method: clinical testing. Allele origin: germline.
Comment: This sequence change replaces glycine, which is neutral and non-polar, with serine, which is neutral and polar, at codon 1347 of the ATP7B protein (p.Gly1347Ser). This variant is present in population databases (rs587783318, gnomAD 0.08%). This missense change has been observed in individual(s) with Wilson disease (PMID: 24555712). In at least one individual the data is consistent with being in trans (on the opposite chromosome) from a pathogenic variant. It has also been observed to segregate with disease in related individuals. ClinVar contains an entry for this variant (Variation ID: 157956). Invitae Evidence Modeling of protein sequence and biophysical properties (such as structural, functional, and spatial information, amino acid conservation, physicochemical variation, residue mobility, and thermodynamic stability) indicates that this missense variant is expected to disrupt ATP7B protein function with a positive predictive value of 80%. For these reasons, this variant has been classified as Pathogenic.

CeGaT Center for Human Genetics Tuebingen
Classification: Likely pathogenic. Last evaluated: 2026-01-01. Review status: criteria provided, single submitter. Criteria: CeGaT Center For Human Genetics Tuebingen Variant Classification Criteria Version 2. Collection method: clinical testing. Allele origin: germline. Affected: yes. Observed: 1 variant allele.
Comment: ATP7B: PM3:Strong, PM1:Supporting, PM2:Supporting, PS3:Supporting

Women's Health and Genetics/Laboratory Corporation of America, LabCorp
Classification: Likely pathogenic for Wilson disease. Last evaluated: 2025-08-04. Review status: criteria provided, single submitter. Criteria: LabCorp Variant Classification Summary - May 2015. Collection method: clinical testing. Allele origin: germline.
Comment: Variant summary: ATP7B c.4039G>A (p.Gly1347Ser) results in a non-conservative amino acid change in the encoded protein sequence. Algorithms developed to predict the effect of missense changes on protein structure and function all suggest that this variant is likely to be disruptive. The variant allele was found at a frequency of 0.00012 in 243552 control chromosomes in the gnomAD database, including 1 homozygote. This frequency is not significantly higher than estimated for a pathogenic variant in ATP7B causing Wilson Disease (0.00012 vs 0.0054), allowing no conclusion about variant significance. c.4039G>A has been observed in compound heterozygous individuals affected with Wilson Disease with evidence of familial segregation (example: Forbes_2014, Nagral_2023). These data indicate that the variant is likely associated with disease. To our knowledge, no experimental evidence demonstrating an impact on protein function has been reported. The following publications have been ascertained in the context of this evaluation (PMID: 24555712, 34426522, 36112267, 38532509). ClinVar contains an entry for this variant (Variation ID: 157956). Based on the evidence outlined above, the variant was classified as likely pathogenic.

Fulgent Genetics
Classification: Likely pathogenic for Wilson disease. Last evaluated: 2024-03-23. Review status: criteria provided, single submitter. Criteria: ACMG Guidelines, 2015. Collection method: clinical testing. Allele origin: germline.

ARUP Laboratories, Molecular Genetics and Genomics, ARUP Laboratories
Classification: Likely pathogenic for Wilson disease. Last evaluated: 2024-03-13. Review status: criteria provided, single submitter. Criteria: ARUP Molecular Germline Variant Investigation Process 2024. Collection method: clinical testing. Allele origin: germline.
Comment: The ATP7B c.4039G>A; p.Gly1347Ser variant (rs587783318) is reported in the literature in the compound heterozygous state in individuals and segregates with disease in at least one family affected with Wilson disease (Forbes 2014, Nagral 2023). This variant is also reported in ClinVar (Variation ID: 157956), and is found in the general population with an overall allele frequency of 0.011% (31/274940 alleles, including a single homozygote) in the Genome Aggregation Database. Computational analyses predict that this variant is deleterious (REVEL: 0.942). Based on available information, this variant is considered to be likely pathogenic. References: Forbes N et al. Evidence for synergistic effects of PRNP and ATP7B mutations in severe neuropsychiatric deterioration. BMC Med Genet. 2014 Feb 20;15:22. PMID: 24555712. Nagral A et al. Genomic Variations in ATP7B Gene in Indian Patients with Wilson Disease. Indian J Pediatr. 2023 Mar;90(3):240-248. PMID: 36112267.

All of Us Research Program, National Institutes of Health
Classification: Uncertain significance for Wilson disease. Last evaluated: 2023-12-01. Review status: criteria provided, single submitter. Criteria: ACMG Guidelines, 2015. Collection method: clinical testing. Allele origin: germline. Inheritance: Autosomal recessive inheritance. Observed: 8 variant alleles, 8 heterozygotes.
Comment: This variant introduces an AG dinucleotide 18 bases downstream of a splice site and replaces glycine with serine at codon 1347 of the ATP7B protein. Computational prediction suggests that this variant may have deleterious impact on protein structure and function (internally defined REVEL score threshold >= 0.7, PMID: 27666373). To our knowledge, functional studies have not been reported for this variant. This variant has been observed in the compound heterozygous state in two siblings affected with autosomal recessive Wilson disease (PMID: 24555712), indicating that this variant contributes to disease. This variant has been identified in 31/274940 chromosomes in the general population by the Genome Aggregation Database (gnomAD). The available evidence is insufficient to determine the role of this variant in disease conclusively. Therefore, this variant is classified as a Variant of Uncertain Significance.

This study involves interpretation of variants in research participants for the purpose of population health screening. Participant phenotype was not available at the time of variant classification. Additional details can be found in publication PMID: 35346344, PMCID: PMC8962531

Neuberg Centre For Genomic Medicine, NCGM
Classification: Likely pathogenic for Wilson disease. Last evaluated: 2023-02-14. Review status: criteria provided, single submitter. Criteria: ACMG Guidelines, 2015. Collection method: clinical testing. Allele origin: germline. Inheritance: Autosomal recessive inheritance. Affected: yes.
Comment: The missense c.4039G>A (p.Gly1347Ser) variant in ATP7B gene has been reported in compound heterozygote state in individuals in at least two family members affected with Wilson Disease (Forbes N et al. 2014). It has also been observed to segregate with disease in related individuals. The p.Gly1347Ser variant has allele frequency 0.01% in gnomAD Exomes and is novel (not in any individuals) in 1000 Genomes. This variant has been reported to the ClinVar database as Uncertain Significance / Likely Pathogenic / Pathogenic. The amino acid change p.Gly1347Ser in ATP7B is predicted as conserved by GERP++ and PhyloP across 100 vertebrates. The amino acid Gly at position 1347 is changed to a Ser changing protein sequence and it might alter its composition and physico-chemical properties. Functional studies are required to prove the pathogenicity for the variant, for these reasons, this variant has been classified as Likely Pathogenic.

Baylor Genetics
Classification: Uncertain significance for Wilson disease. Last evaluated: 2022-11-22. Review status: criteria provided, single submitter. Criteria: ACMG Guidelines, 2015. Collection method: clinical testing. Allele origin: unknown.

Color Diagnostics, LLC DBA Color Health
Classification: Uncertain significance for Wilson disease. Last evaluated: 2022-07-08. Review status: criteria provided, single submitter. Criteria: ACMG Guidelines, 2015. Collection method: clinical testing. Allele origin: germline.
Comment: This variant introduces an AG dinucleotide 18 bases downstream of a splice site and replaces glycine with serine at codon 1347 of the ATP7B protein. Computational prediction suggests that this variant may have deleterious impact on protein structure and function. To our knowledge, functional studies have not been reported for this variant. This variant has been observed in the compound heterozygous state in two siblings affected with autosomal recessive Wilson disease (PMID: 24555712), indicating that this variant contributes to disease. This variant has been identified in 31/274940 chromosomes in the general population by the Genome Aggregation Database (gnomAD). The available evidence is insufficient to determine the role of this variant in disease conclusively. Therefore, this variant is classified as a Variant of Uncertain Significance.

Genome-Nilou Lab
Classification: Uncertain significance for Wilson disease. Last evaluated: 2021-08-10. Review status: criteria provided, single submitter. Criteria: ACMG Guidelines, 2015. Collection method: clinical testing. Allele origin: germline. Affected: no.

Genetic Services Laboratory, University of Chicago
Classification: Likely pathogenic for Wilson disease. Last evaluated: 2013-02-08. Review status: criteria provided, single submitter. Criteria: ACMG Guidelines, 2007. Collection method: clinical testing. Allele origin: germline. Inheritance: Autosomal recessive inheritance. Affected: yes.

PreventionGenetics, part of Exact Sciences
Classification: Likely pathogenic for ATP7B-related condition. Last evaluated: 2024-02-19. Review status: no assertion criteria provided. Collection method: clinical testing. Allele origin: germline. Not counted in ClinVar's aggregate classification.
Comment: The ATP7B c.4039G>A variant is predicted to result in the amino acid substitution p.Gly1347Ser. This variant has been reported in the compound heterozygous state in individuals with Wilson disease (Forbes et al. 2014. PubMed ID: 24555712; Table 3, Nagral et al. 2022. PubMed ID: 36112267). One of the siblings, who was also compound heterozygous and had a classical biochemical phenotype of Wilson disease, was asymptomatic, suggesting this variant may be hypomorphic (Forbes et al. 2014. PubMed ID: 24555712). This variant is reported in 0.080% of alleles, including one homozygote, in individuals of South Asian descent in gnomAD. Taken together, this variant is interpreted as likely pathogenic.

Natera, Inc.
Classification: Uncertain significance for Wilson disease. Last evaluated: 2020-09-16. Review status: no assertion criteria provided. Collection method: clinical testing. Allele origin: germline. Not counted in ClinVar's aggregate classification.

Literature cited by the submitters: PubMed 24555712 (cited by 5 submitters); PubMed 36112267 (cited by Myriad Genetics, Inc. and Women's Health and Genetics/Laboratory Corporation of America, LabCorp); PubMed 40661833 (cited by Myriad Genetics, Inc.); PubMed 34426522 (cited by Women's Health and Genetics/Laboratory Corporation of America, LabCorp); PubMed 38532509 (cited by Women's Health and Genetics/Laboratory Corporation of America, LabCorp).